The following is an entry in ClinVar:

NM_017950.4(CCDC40):c.2913C>T (p.Val971=)

Gene: CCDC40 (coiled-coil domain 40 molecular ruler complex subunit; plus strand). Cytogenetic location: 17q25.3.
Variant type: single nucleotide variant.
Coding change: c.2913C>T on transcript NM_017950.4 (MANE Select); coding-DNA position 2913, C replaced by T.
Protein change: p.Val971=; no amino-acid change (valine 971 retained).
Molecular consequence: synonymous variant.
Genome position (GRCh38, 1-based): chr17:80,095,343, C>T. VCF-style: chr17-80095343-C-T. GRCh37 (hg19) VCF-style: chr17-78069142-C-T.
Identifiers: ClinVar variation 3054171 (VCV003054171.2), dbSNP rs768472500, ClinGen allele CA8814550.

ClinVar aggregate classification (germline): Likely benign (0 of 4 stars; one submission).

Conditions:
CCDC40-related disorder. Also called: CCDC40-related condition.

Allele frequency attached by ClinVar (database versions not stated): gnomAD exomes below 0.00001; ExAC 0.00001.
gnomAD v4.1: 2 of 1,614,122 alleles (0.00012%); highest among the groups gnomAD compares: Admixed American, 0.0033%; no homozygotes.

Submission:

PreventionGenetics, part of Exact Sciences
Classification: Likely benign for CCDC40-related condition. Last evaluated: 2022-08-10. Review status: no assertion criteria provided. Collection method: clinical testing. Allele origin: germline.
Comment: This variant is classified as likely benign based on ACMG/AMP sequence variant interpretation guidelines (Richards et al. 2015 PMID: 25741868, with internal and published modifications).